The following is an entry in ClinVar:

NM_006946.4(SPTBN2):c.4922C>T (p.Ala1641Val)

Gene: SPTBN2 (spectrin beta, non-erythrocytic 2; minus strand). Cytogenetic location: 11q13.2.
Variant type: single nucleotide variant.
Coding change: c.4922C>T on transcript NM_006946.4 (MANE Select); coding-DNA position 4922, C replaced by T.
Protein change: p.Ala1641Val; replaces alanine 1641 with valine.
Molecular consequence: missense variant.
Genome position (GRCh38, 1-based): chr11:66,693,033, G>A on the plus strand (C>T on the coding strand, the complement: SPTBN2 is on the minus strand). VCF-style: chr11-66693033-G-A. GRCh37 (hg19) VCF-style: chr11-66460504-G-A.
Other names: short protein forms A1641V.
Identifiers: ClinVar variation 1699890 (VCV001699890.6), dbSNP rs376009552, ClinGen allele CA6128432.
Genomic context (GRCh38, chr11:66,693,033, plus strand): 5'-TCTGGGTGCTCGTGGTCAATCATGTCCTGGCTGCTGGCCGCCAGCTGGTGGATGGTCTGC[G>A]CGTAGTCGGCCAGGGCTTGCTCCAGCACCTGGTGCTTCTTCACCTCTGCCTGGGCACTCA-3'
Protein context (NP_008877.2, residues 1631-1651): QVLEQALADY[Ala1641Val]QTIHQLAASS

ClinVar aggregate classification (germline): Uncertain significance. Review status: criteria provided, multiple submitters, no conflicts (2 of 4 stars). 3 submissions from 3 submitters: Uncertain significance (3). Last evaluated 2025-08-05.

Conditions:
Inborn genetic diseases. Identifiers: MedGen C0950123, MeSH D030342.

Allele frequency attached by ClinVar (database versions not stated): ExAC 0.00001; gnomAD 0.00001; gnomAD exomes 0.00001; TOPMed 0.00001; ESP Exome Variant Server 0.00008.
gnomAD v4.1: 17 of 1,612,982 alleles (0.0011%); highest among the groups gnomAD compares: African/African-American, 0.0027%; no homozygotes.

Submissions (3):

Ambry Genetics
Classification: Uncertain significance for Inborn genetic diseases. Last evaluated: 2025-08-05. Review status: criteria provided, single submitter. Criteria: Ambry Variant Classification Scheme 2023. Collection method: clinical testing. Allele origin: germline.

Labcorp Genetics (formerly Invitae), Labcorp
Classification: Uncertain significance. Last evaluated: 2023-03-21. Review status: criteria provided, single submitter. Criteria: Invitae Variant Classification Sherloc (09022015). Collection method: clinical testing. Allele origin: germline.
Comment: In summary, the available evidence is currently insufficient to determine the role of this variant in disease. Therefore, it has been classified as a Variant of Uncertain Significance. Advanced modeling of protein sequence and biophysical properties (such as structural, functional, and spatial information, amino acid conservation, physicochemical variation, residue mobility, and thermodynamic stability) has been performed at Invitae for this missense variant, however the output from this modeling did not meet the statistical confidence thresholds required to predict the impact of this variant on SPTBN2 protein function. ClinVar contains an entry for this variant (Variation ID: 1699890). This variant has not been reported in the literature in individuals affected with SPTBN2-related conditions. This variant is present in population databases (rs376009552, gnomAD 0.002%). This sequence change replaces alanine, which is neutral and non-polar, with valine, which is neutral and non-polar, at codon 1641 of the SPTBN2 protein (p.Ala1641Val).

GeneDx
Classification: Uncertain significance. Last evaluated: 2022-01-28. Review status: criteria provided, single submitter. Criteria: GeneDx Variant Classification Process June 2021. Collection method: clinical testing. Allele origin: germline. Affected: yes.
Comment: Not observed at significant frequency in large population cohorts (gnomAD); In silico analysis supports that this missense variant has a deleterious effect on protein structure/function; Has not been previously published as pathogenic or benign to our knowledge